The following is an entry in ClinVar:

ClinVar aggregate classification (germline): Uncertain significance (1 of 4 stars; one submission).

Conditions:
Glucose-6-phosphate transport defect (GSD1B). Also called: GSD Ib; Glycogen Storage Disease Type Ib. Identifiers: Orphanet 364, Orphanet 79259, MedGen C0268146, MONDO:0009288, OMIM 232220.

Submission:

Labcorp Genetics (formerly Invitae), Labcorp
Classification: Uncertain significance for Glucose-6-phosphate transport defect. Last evaluated: 2025-01-13. Review status: criteria provided, single submitter. Criteria: Invitae Variant Classification Sherloc (09022015). Collection method: clinical testing. Allele origin: germline.
Comment: This sequence change replaces asparagine, which is neutral and polar, with serine, which is neutral and polar, at codon 198 of the SLC37A4 protein (p.Asn198Ser). This variant is present in population databases (rs34203644, gnomAD 0.01%). This variant has not been reported in the literature in individuals affected with SLC37A4-related conditions. ClinVar contains an entry for this variant (Variation ID: 2158838). Invitae Evidence Modeling of protein sequence and biophysical properties (such as structural, functional, and spatial information, amino acid conservation, physicochemical variation, residue mobility, and thermodynamic stability) indicates that this missense variant is not expected to disrupt SLC37A4 protein function with a negative predictive value of 80%. In summary, the available evidence is currently insufficient to determine the role of this variant in disease. Therefore, it has been classified as a Variant of Uncertain Significance.

NM_001164277.2(SLC37A4):c.593A>G (p.Asn198Ser)

Gene: SLC37A4 (solute carrier family 37 member 4; minus strand). Cytogenetic location: 11q23.3.
Variant type: single nucleotide variant.
Coding change: c.593A>G on transcript NM_001164277.2 (MANE Select); coding-DNA position 593, A replaced by G.
Protein change: p.Asn198Ser; replaces asparagine 198 with serine.
Molecular consequence: missense variant.
Genome position (GRCh38, 1-based): chr11:119,027,660, T>C on the plus strand (A>G on the coding strand, the complement: SLC37A4 is on the minus strand). VCF-style: chr11-119027660-T-C. GRCh37 (hg19) VCF-style: chr11-118898370-T-C.
Other names: c.593A>G, p.Asn198Ser (NM_001164278.2, NM_001164280.2, NM_001467.6); c.374A>G, p.Asn125Ser (NM_001164279.2); short protein forms N125S, N198S.
Identifiers: ClinVar variation 2158838 (VCV002158838.3), dbSNP rs34203644, ClinGen allele CA6311805.
Genomic context (GRCh38, chr11:119,027,660, plus strand): 5'-CCAGTGGTCGGTCTGGGTGGGGGCTCACCCTTCTTGCCCTCAGAGGGCATGGGGTCCAGG[T>C]TGCGGAGTCCAACATCAGCAGGTTCATTGTGGATGAGCAGGAGACAGAGGAAGGAGACAA-3'
Protein context (NP_001157749.1, residues 188-208): HNEPADVGLR[Asn198Ser]LDPMPSEGKK